The following is an entry in ClinVar:

NM_001171155.2(PET100):c.179G>A (p.Arg60Gln)

Genes: PET100 (PET100 cytochrome c oxidase chaperone; plus strand), STXBP2 (syntaxin binding protein 2; plus strand). Cytogenetic location: 19p13.2.
Variant type: single nucleotide variant.
Coding change: c.179G>A on transcript NM_001171155.2 (MANE Select); coding-DNA position 179, G replaced by A.
Protein change: p.Arg60Gln; replaces arginine 60 with glutamine.
Molecular consequence: missense variant. On other transcripts: non-coding transcript variant (1).
Genome position (GRCh38, 1-based): chr19:7,631,513, G>A. VCF-style: chr19-7631513-G-A. GRCh37 (hg19) VCF-style: chr19-7696399-G-A.
Other names: short protein forms R60Q.
Identifiers: ClinVar variation 1933389 (VCV001933389.6), dbSNP rs779243533, ClinGen allele CA403154074.
Genomic context (GRCh38, chr19:7,631,513, plus strand): 5'-ACCCGCTTCTCCACCCCTAGCTTCAAGAGATAGAGGAATTCAAAGAGAGGTTACGGAAGC[G>A]GCGGGAGGAGAAGCTCCTTCGCGACGCCCAGCAGAACTCCTGAGGCCTCCAAGTGGGAGT-3'
Protein context (NP_001164626.1, residues 50-70): IEEFKERLRK[Arg60Gln]REEKLLRDAQ

ClinVar aggregate classification (germline): Conflicting classifications of pathogenicity. Review status: criteria provided, conflicting classifications (1 of 4 stars). 2 submissions from 2 submitters: Uncertain significance (1); Likely benign (1). Last evaluated 2022-10-04.

Conditions:
Inborn genetic diseases. Identifiers: MedGen C0950123, MeSH D030342.

gnomAD v4.1: 6 of 1,536,220 alleles (0.00039%); highest among the groups gnomAD compares: Admixed American, 0.0039%; no homozygotes.

Submissions (2):

Ambry Genetics
Classification: Likely benign for Inborn genetic diseases. Last evaluated: 2022-10-04. Review status: criteria provided, single submitter. Criteria: Ambry Variant Classification Scheme 2023. Collection method: clinical testing. Allele origin: germline.

Labcorp Genetics (formerly Invitae), Labcorp
Classification: Uncertain significance. Last evaluated: 2022-04-06. Review status: criteria provided, single submitter. Criteria: Invitae Variant Classification Sherloc (09022015). Collection method: clinical testing. Allele origin: germline.
Comment: This variant has not been reported in the literature in individuals affected with PET100-related conditions. This variant is present in population databases (no rsID available, gnomAD 0.008%). This sequence change replaces arginine, which is basic and polar, with glutamine, which is neutral and polar, at codon 60 of the PET100 protein (p.Arg60Gln). In summary, the available evidence is currently insufficient to determine the role of this variant in disease. Therefore, it has been classified as a Variant of Uncertain Significance. Algorithms developed to predict the effect of missense changes on protein structure and function output the following: SIFT: "Tolerated"; PolyPhen-2: "Benign"; Align-GVGD: "Class C0". The glutamine amino acid residue is found in multiple mammalian species, which suggests that this missense change does not adversely affect protein function.